The following is an entry in ClinVar:

NM_000780.4(CYP7A1):c.1175A>G (p.Gln392Arg)

Genes: CYP7A1 (cytochrome P450 family 7 subfamily A member 1; minus strand), LOC126860400 (BRD4-independent group 4 enhancer GRCh37_chr8:59404317-59405516; plus strand). Cytogenetic location: 8q12.1.
Variant type: single nucleotide variant.
Coding change: c.1175A>G on transcript NM_000780.4 (MANE Select); coding-DNA position 1175, A replaced by G.
Protein change: p.Gln392Arg; replaces glutamine 392 with arginine.
Molecular consequence: missense variant.
Genome position (GRCh38, 1-based): chr8:58,492,393, T>C on the plus strand (A>G on the coding strand, the complement: CYP7A1 is on the minus strand). VCF-style: chr8-58492393-T-C. GRCh37 (hg19) VCF-style: chr8-59404952-T-C.
Other names: c.1175A>G (NM_000780.3); short protein forms Q392R.
Identifiers: ClinVar variation 1514946 (VCV001514946.9), dbSNP rs779707560, ClinGen allele CA4756639.

ClinVar aggregate classification (germline): Uncertain significance. Review status: criteria provided, multiple submitters, no conflicts (2 of 4 stars). 2 submissions from 2 submitters: Uncertain significance (2). Last evaluated 2025-12-22.

Allele frequency attached by ClinVar (database versions not stated): gnomAD 0.00001; TOPMed 0.00004.
gnomAD v4.1: 22 of 1,614,032 alleles (0.0014%); highest among the groups gnomAD compares: East Asian, 0.018%; no homozygotes.

Submissions (2):

Labcorp Genetics (formerly Invitae), Labcorp
Classification: Uncertain significance. Last evaluated: 2025-12-22. Review status: criteria provided, single submitter. Criteria: Invitae Variant Classification Sherloc (09022015). Collection method: clinical testing. Allele origin: germline.
Comment: This sequence change replaces glutamine, which is neutral and polar, with arginine, which is basic and polar, at codon 392 of the CYP7A1 protein (p.Gln392Arg). This variant is present in population databases (rs779707560, gnomAD 0.04%). This variant has not been reported in the literature in individuals affected with CYP7A1-related conditions. ClinVar contains an entry for this variant (Variation ID: 1514946). Invitae Evidence Modeling of protein sequence and biophysical properties (such as structural, functional, and spatial information, amino acid conservation, physicochemical variation, residue mobility, and thermodynamic stability) indicates that this missense variant is not expected to disrupt CYP7A1 protein function with a negative predictive value of 80%. In summary, the available evidence is currently insufficient to determine the role of this variant in disease. Therefore, it has been classified as a Variant of Uncertain Significance.

Ambry Genetics
Classification: Uncertain significance. Last evaluated: 2024-06-11. Review status: criteria provided, single submitter. Criteria: Ambry Variant Classification Scheme 2023. Collection method: clinical testing. Allele origin: germline.